The following is an entry in ClinVar:

ClinVar aggregate classification (germline): Uncertain significance (1 of 4 stars; one submission).

Conditions:
Dilated cardiomyopathy 2B. Identifiers: Orphanet 154, MedGen C3553409, MONDO:0013848, OMIM 614672.

Allele frequency attached by ClinVar (database versions not stated): TOPMed 0.00001.
gnomAD v4.1: 7 of 1,591,778 alleles (0.00044%); highest among the groups gnomAD compares: African/African-American, 0.0014%; no homozygotes.

Submission:

Labcorp Genetics (formerly Invitae), Labcorp
Classification: Uncertain significance for Dilated cardiomyopathy 2B. Last evaluated: 2017-08-28. Review status: criteria provided, single submitter. Criteria: Invitae Variant Classification Sherloc (09022015). Collection method: clinical testing. Allele origin: germline.
Comment: This sequence change replaces alanine with serine at codon 202 of the GATAD1 protein (p.Ala202Ser). The alanine residue is moderately conserved and there is a moderate physicochemical difference between alanine and serine. This variant is not present in population databases (ExAC no frequency). This variant has not been reported in the literature in individuals with GATAD1-related disease. Algorithms developed to predict the effect of missense changes on protein structure and function output the following: SIFT: "Tolerated"; PolyPhen-2: "Benign"; Align-GVGD: "Class C0". The serine amino acid residue is found in multiple mammalian species, suggesting that this missense change does not adversely affect protein function. These predictions have not been confirmed by published functional studies and their clinical significance is uncertain. In summary, the available evidence is currently insufficient to determine the role of this variant in disease. Therefore, it has been classified as a Variant of Uncertain Significance.

NM_021167.5(GATAD1):c.604G>T (p.Ala202Ser)

Gene: GATAD1 (GATA zinc finger domain containing 1; plus strand). Cytogenetic location: 7q21.2.
Variant type: single nucleotide variant.
Coding change: c.604G>T on transcript NM_021167.5 (MANE Select); coding-DNA position 604, G replaced by T.
Protein change: p.Ala202Ser; replaces alanine 202 with serine.
Molecular consequence: missense variant. On other transcripts: non-coding transcript variant (1).
Genome position (GRCh38, 1-based): chr7:92,454,670, G>T. VCF-style: chr7-92454670-G-T. GRCh37 (hg19) VCF-style: chr7-92083984-G-T.
Other names: short protein forms A202S.
Identifiers: ClinVar variation 540376 (VCV000540376.1), dbSNP rs564747350, ClinGen allele CA368161269.
Genomic context (GRCh38, chr7:92,454,670, plus strand): 5'-AGTGCAGCACTGACGTGGCTCATTCCTACCCTCTCTAGCCCCAGAGACCAATTTGATCCC[G>T]CCTCCTATATCATAGGTAAGTTTGACAAATGGCACAGGTTTTTTTTTAACTTAGTTAACT-3'
Protein context (NP_066990.3, residues 192-212): LSSPRDQFDP[Ala202Ser]SYIIGPEEDL